The following is an entry in ClinVar:

NM_001110556.2(FLNA):c.2530G>A (p.Gly844Ser)

Gene: FLNA (filamin A; minus strand). Cytogenetic location: Xq28.
Variant type: single nucleotide variant.
Coding change: c.2530G>A on transcript NM_001110556.2 (MANE Select); coding-DNA position 2530, G replaced by A.
Protein change: p.Gly844Ser; replaces glycine 844 with serine.
Molecular consequence: missense variant.
Genome position (GRCh38, 1-based): chrX:154,362,453, C>T on the plus strand (G>A on the coding strand, the complement: FLNA is on the minus strand). VCF-style: chrX-154362453-C-T. GRCh37 (hg19) VCF-style: chrX-153590821-C-T.
Other names: c.2530G>A, p.Gly844Ser (NM_001456.4); short protein forms G844S.
Identifiers: ClinVar variation 3279184 (VCV003279184.1).

ClinVar aggregate classification (germline): Uncertain significance (1 of 4 stars; one submission).

Conditions:
Familial thoracic aortic aneurysm and aortic dissection (TAAD). Also called: Thoracic aortic aneurysms and dissections. Identifiers: Orphanet 91387, MedGen C4707243, MONDO:0019625.

Submission:

Ambry Genetics
Classification: Uncertain significance for Familial thoracic aortic aneurysm and aortic dissection. Last evaluated: 2024-06-07. Review status: criteria provided, single submitter. Criteria: Ambry Variant Classification Scheme 2023. Collection method: clinical testing. Allele origin: germline.
Comment: The p.G844S variant (also known as c.2530G>A), located in coding exon 16 of the FLNA gene, results from a G to A substitution at nucleotide position 2530. The glycine at codon 844 is replaced by serine, an amino acid with similar properties. This amino acid position is highly conserved in available vertebrate species. In addition, this alteration is predicted to be deleterious by in silico analysis. Based on the available evidence, the clinical significance of this variant remains unclear.